The following is an entry in ClinVar:

NM_003597.5(KLF11):c.*192T>C

Gene: KLF11 (KLF transcription factor 11; plus strand). Cytogenetic location: 2p25.1.
Variant type: single nucleotide variant.
Coding change: c.*192T>C on transcript NM_003597.5 (MANE Select); 192 bases downstream of the stop codon, T replaced by C.
Molecular consequence: 3 prime UTR variant.
Genome position (GRCh38, 1-based): chr2:10,052,699, T>C. VCF-style: chr2-10052699-T-C. GRCh37 (hg19) VCF-style: chr2-10192826-T-C.
Other names: c.*192T>C (NM_001177716.2, NM_001177718.2).
Identifiers: ClinVar variation 330645 (VCV000330645.5), dbSNP rs552960564, ClinGen allele CA10610521.

ClinVar aggregate classification (germline): Benign (1 of 4 stars; one submission).

Conditions:
Maturity-onset diabetes of the young type 7 (MODY7). Identifiers: Orphanet 552, MedGen C1864839, MONDO:0012513, OMIM 610508.

Allele frequency attached by ClinVar (database versions not stated): gnomAD 0.00001 and 0.00013; TOPMed 0.00004; gnomAD exomes 0.00030; 1000 Genomes Project 30x 0.00031; 1000 Genomes Project 0.00040.

Submission:

Illumina Laboratory Services, Illumina
Classification: Benign for Maturity-onset diabetes of the young type 7. Last evaluated: 2018-01-13. Review status: criteria provided, single submitter. Criteria: ICSL Variant Classification Criteria 13 December 2019. Collection method: clinical testing. Allele origin: germline.
Comment: This variant was observed in the ICSL laboratory as part of a predisposition screen in an ostensibly healthy population. It had not been previously curated by ICSL or reported in the Human Gene Mutation Database (HGMD: prior to June 1st, 2018), and was therefore a candidate for classification through an automated scoring system. Utilizing variant allele frequency, disease prevalence and penetrance estimates, and inheritance mode, an automated score was calculated to assess if this variant is too frequent to cause the disease. Based on the score and internal cut-off values, a variant classified as benign is not then subjected to further curation. The score for this variant resulted in a classification of benign for this disease.